The following is an entry in ClinVar:

NM_001379286.1(ZNF423):c.3746C>T (p.Ala1249Val)

Gene: ZNF423 (zinc finger protein 423; minus strand). Cytogenetic location: 16q12.1.
Variant type: single nucleotide variant.
Coding change: c.3746C>T on transcript NM_001379286.1 (MANE Select); coding-DNA position 3746, C replaced by T.
Protein change: p.Ala1249Val; replaces alanine 1249 with valine.
Molecular consequence: missense variant.
Genome position (GRCh38, 1-based): chr16:49,523,727, G>A on the plus strand (C>T on the coding strand, the complement: ZNF423 is on the minus strand). VCF-style: chr16-49523727-G-A. GRCh37 (hg19) VCF-style: chr16-49557638-G-A.
Other names: c.3542C>T, p.Ala1181Val (NM_001271620.2); c.3371C>T, p.Ala1124Val (NM_001330533.2); c.3722C>T, p.Ala1241Val (NM_015069.5); short protein forms A1124V, A1249V, A1181V, A1241V.
Identifiers: ClinVar variation 3475805 (VCV003475805.1).

ClinVar aggregate classification (germline): Uncertain significance (1 of 4 stars; one submission).

gnomAD v4.1: 4 of 1,613,396 alleles (0.00025%); highest among the groups gnomAD compares: East Asian, 0.0089%; no homozygotes.

Submission:

Ambry Genetics
Classification: Uncertain significance. Last evaluated: 2024-10-25. Review status: criteria provided, single submitter. Criteria: Ambry Variant Classification Scheme 2023. Collection method: clinical testing. Allele origin: germline.
Comment: Does not currently meet published gene-disease clinical validity criteria Based on insufficient or conflicting evidence, the clinical significance of this alteration remains unclear.

Literature cited by the submitters: PubMed 28106320.